The following is an entry in ClinVar:

ClinVar aggregate classification (germline): Likely benign. Review status: criteria provided, multiple submitters, no conflicts (2 of 4 stars). 5 submissions from 5 submitters: Likely benign (5). Last evaluated 2025-09-30.

Conditions:
Familial adenomatous polyposis 1 (FAP1). Also called: FAMILIAL ADENOMATOUS POLYPOSIS 1, ATTENUATED; POLYPOSIS, ADENOMATOUS INTESTINAL. Identifiers: MedGen C2713442, MONDO:0021056, OMIM 175100. Disease mechanism: loss of function.
Classic or attenuated familial adenomatous polyposis. Identifiers: MedGen CN372698, MONDO:0021057.
Hereditary cancer-predisposing syndrome. Also called: Tumor predisposition; Neoplastic Syndromes, Hereditary; Hereditary neoplastic syndrome; Hereditary Cancer Syndrome. Identifiers: Orphanet 140162, MedGen C0027672, MeSH D009386, MONDO:0015356.

Submissions (5):

Labcorp Genetics (formerly Invitae), Labcorp
Classification: Likely benign for Familial adenomatous polyposis 1. Last evaluated: 2025-09-30. Review status: criteria provided, single submitter. Criteria: Invitae Variant Classification Sherloc (09022015). Collection method: clinical testing. Allele origin: germline.

Women's Health and Genetics/Laboratory Corporation of America, LabCorp
Classification: Likely benign. Last evaluated: 2024-12-11. Review status: criteria provided, single submitter. Criteria: LabCorp Variant Classification Summary - May 2015. Collection method: clinical testing. Allele origin: germline.

Myriad Genetics, Inc.
Classification: Likely benign for Familial adenomatous polyposis 1. Last evaluated: 2024-02-26. Review status: criteria provided, single submitter. Criteria: Myriad Autosomal Dominant, Autosomal Recessive and X-Linked Classification Criteria (2023). Collection method: clinical testing. Allele origin: unknown.
Comment: This variant is considered likely benign. This variant is intronic and is not expected to impact mRNA splicing.

All of Us Research Program, National Institutes of Health
Classification: Likely benign for Classic or attenuated familial adenomatous polyposis. Last evaluated: 2023-11-20. Review status: criteria provided, single submitter. Criteria: ACMG Guidelines, 2015. Collection method: clinical testing. Allele origin: germline. Inheritance: Autosomal dominant inheritance. Observed: 1 variant allele, 1 heterozygote.
Comment: This study involves interpretation of variants in research participants for the purpose of population health screening. Participant phenotype was not available at the time of variant classification. Additional details can be found in publication PMID: 35346344, PMCID: PMC8962531

Color Diagnostics, LLC DBA Color Health
Classification: Likely benign for Hereditary cancer-predisposing syndrome. Last evaluated: 2017-11-26. Review status: criteria provided, single submitter. Criteria: ACMG Guidelines, 2015. Collection method: clinical testing. Allele origin: germline.

NM_000038.6(APC):c.646-9T>C

Gene: APC (APC regulator of Wnt signaling pathway; plus strand). Cytogenetic location: 5q22.2.
Variant type: single nucleotide variant.
Coding change: c.646-9T>C on transcript NM_000038.6 (MANE Select); 9 bases into the intron before coding-DNA position 646, T replaced by C.
Molecular consequence: intron variant.
Genome position (GRCh38, 1-based): chr5:112,792,437, T>C. VCF-style: chr5-112792437-T-C. GRCh37 (hg19) VCF-style: chr5-112128134-T-C.
Other names: c.646-9T>C (NM_001354895.2, NM_001127510.3, NM_001354896.2 and 1 more transcripts); c.676-9T>C (NM_001354897.2, NM_001354902.2); c.676-8842T>C (NM_001127511.3); c.571-9T>C (NM_001354898.2, NM_001354904.2); c.-390-9T>C (NM_001354906.2); c.646-8842T>C (NM_001354899.2); c.469-9T>C (NM_001354900.2, NM_001354901.2, NM_001354905.2).
Identifiers: ClinVar variation 416732 (VCV000416732.16), dbSNP rs1060504878, ClinGen allele CA16611615.
Genomic context (GRCh38, chr5:112,792,437, plus strand): 5'-ATAGTATGATTATTTCTATTAATATTATTAATAAAAACATAACTAATTAGGTTTCTTGTT[T>C]TATTTTAGCGAAGAATAGCCAGAATTCAGCAAATCGAAAAGGACATACTTCGTATACGAC-3'